The following is an entry in ClinVar:

NM_013275.6(ANKRD11):c.7682C>G (p.Ser2561Cys)

Gene: ANKRD11 (ankyrin repeat domain 11; minus strand). Cytogenetic location: 16q24.3.
Variant type: single nucleotide variant.
Coding change: c.7682C>G on transcript NM_013275.6 (MANE Select); coding-DNA position 7682, C replaced by G.
Protein change: p.Ser2561Cys; replaces serine 2561 with cysteine.
Molecular consequence: missense variant.
Genome position (GRCh38, 1-based): chr16:89,274,845, G>C on the plus strand (C>G on the coding strand, the complement: ANKRD11 is on the minus strand). VCF-style: chr16-89274845-G-C. GRCh37 (hg19) VCF-style: chr16-89341253-G-C.
Other names: c.7682C>G (NM_013275.5); c.7682C>G, p.Ser2561Cys (NM_001256182.2, NM_001256183.2); short protein forms S2561C.
Identifiers: ClinVar variation 2508614 (VCV002508614.7), dbSNP rs147434505, ClinGen allele CA8241062.

ClinVar aggregate classification (germline): Conflicting classifications of pathogenicity. Review status: criteria provided, conflicting classifications (1 of 4 stars). 4 submissions from 4 submitters: Uncertain significance (2); Likely benign (2). Last evaluated 2025-05-11.

Conditions:
ANKRD11-related disorder. Also called: ANKRD11-related condition.
KBG syndrome (KBGS). Also called: ANKRD11-Related KBG Syndrome. Identifiers: Orphanet 2332, MedGen C0220687, MONDO:0007846, OMIM 148050.
Inborn genetic diseases. Identifiers: MedGen C0950123, MeSH D030342.

Allele frequency attached by ClinVar (database versions not stated): ExAC 0.00003; TOPMed 0.00005; gnomAD exomes 0.00008; ESP Exome Variant Server 0.00015.
gnomAD v4.1: 126 of 1,612,364 alleles (0.0078%); highest among the groups gnomAD compares: Non-Finnish European, 0.01%; no homozygotes.

Submissions (4):

Labcorp Genetics (formerly Invitae), Labcorp
Classification: Uncertain significance for KBG syndrome. Last evaluated: 2025-05-11. Review status: criteria provided, single submitter. Criteria: Invitae Variant Classification Sherloc (09022015). Collection method: clinical testing. Allele origin: germline.
Comment: This sequence change replaces serine, which is neutral and polar, with cysteine, which is neutral and slightly polar, at codon 2561 of the ANKRD11 protein (p.Ser2561Cys). This variant is present in population databases (rs147434505, gnomAD 0.01%). This variant has not been reported in the literature in individuals affected with ANKRD11-related conditions. ClinVar contains an entry for this variant (Variation ID: 2508614). Invitae Evidence Modeling of protein sequence and biophysical properties (such as structural, functional, and spatial information, amino acid conservation, physicochemical variation, residue mobility, and thermodynamic stability) indicates that this missense variant is not expected to disrupt ANKRD11 protein function with a negative predictive value of 95%. In summary, the available evidence is currently insufficient to determine the role of this variant in disease. Therefore, it has been classified as a Variant of Uncertain Significance.

Blueprint Genetics
Classification: Likely benign. Last evaluated: 2023-09-22. Review status: criteria provided, single submitter. Criteria: ACMG Guidelines, 2015. Collection method: clinical testing. Allele origin: germline.

Ambry Genetics
Classification: Likely benign for Inborn genetic diseases. Last evaluated: 2023-06-02. Review status: criteria provided, single submitter. Criteria: Ambry Variant Classification Scheme 2023. Collection method: clinical testing. Allele origin: germline.

PreventionGenetics, part of Exact Sciences
Classification: Uncertain significance for ANKRD11-related condition. Last evaluated: 2023-03-11. Review status: criteria provided, single submitter. Criteria: ACMG Guidelines, 2015. Collection method: clinical testing. Allele origin: germline.
Comment: The ANKRD11 c.7682C>G variant is predicted to result in the amino acid substitution p.Ser2561Cys. To our knowledge, this variant has not been reported in the literature. This variant is reported in 0.013% of alleles in individuals of European (Non-Finnish) descent in gnomAD. At this time, the clinical significance of this variant is uncertain due to the absence of conclusive functional and genetic evidence.